The following is an entry in ClinVar:

ClinVar aggregate classification (germline): Uncertain significance (1 of 4 stars; one submission).

Conditions:
Idiopathic generalized epilepsy. Also called: EIG; Generalised epilepsy. Identifiers: MedGen C0270850, MONDO:0005579, OMIM 600669.
Hyperaldosteronism, familial, type IV (HALD4). Also called: FH IV; ALDOSTERONISM, PRIMARY, AND HYPERTENSION. Identifiers: Orphanet 642671, MedGen C4310756, MONDO:0014875, OMIM 617027.

Submission:

Labcorp Genetics (formerly Invitae), Labcorp
Classification: Uncertain significance for Idiopathic generalized epilepsy; Hyperaldosteronism, familial, type IV. Last evaluated: 2025-10-06. Review status: criteria provided, single submitter. Criteria: Invitae Variant Classification Sherloc (09022015). Collection method: clinical testing. Allele origin: germline.
Comment: This sequence change falls in intron 34 of the CACNA1H gene. It does not directly change the encoded amino acid sequence of the CACNA1H protein. It affects a nucleotide within the consensus splice site. This variant is not present in population databases (gnomAD no frequency). This variant has not been reported in the literature in individuals affected with CACNA1H-related conditions. Variants that disrupt the consensus splice site are a relatively common cause of aberrant splicing (PMID: 17576681, 9536098). Algorithms developed to predict the effect of sequence changes on RNA splicing suggest that this variant may disrupt the consensus splice site. In summary, the available evidence is currently insufficient to determine the role of this variant in disease. Therefore, it has been classified as a Variant of Uncertain Significance.

Literature cited by the submitters: PubMed 17576681; PubMed 9536098.

NM_021098.3(CACNA1H):c.6048+3A>G

Gene: CACNA1H (calcium voltage-gated channel subunit alpha1 H; plus strand). Cytogenetic location: 16p13.3.
Variant type: single nucleotide variant.
Coding change: c.6048+3A>G on transcript NM_021098.3 (MANE Select); 3 bases into the intron after coding-DNA position 6048, A replaced by G.
Molecular consequence: intron variant.
Genome position (GRCh38, 1-based): chr16:1,219,133, A>G. VCF-style: chr16-1219133-A-G. GRCh37 (hg19) VCF-style: chr16-1269133-A-G.
Other names: c.6030+3A>G (NM_001005407.2).
Identifiers: ClinVar variation 4786334 (VCV004786334.1).